The following is an entry in ClinVar:

NM_003001.5(SDHC):c.166A>C (p.Ile56Leu)

Gene: SDHC (succinate dehydrogenase complex subunit C; plus strand). Cytogenetic location: 1q23.3.
Variant type: single nucleotide variant.
Coding change: c.166A>C on transcript NM_003001.5 (MANE Select); coding-DNA position 166, A replaced by C.
Protein change: p.Ile56Leu; replaces isoleucine 56 with leucine.
Molecular consequence: missense variant. On other transcripts: non-coding transcript variant (1), intron variant (4).
Genome position (GRCh38, 1-based): chr1:161,328,484, A>C. VCF-style: chr1-161328484-A-C. GRCh37 (hg19) VCF-style: chr1-161298274-A-C.
Other names: c.166A>C, p.Ile56Leu (NM_001035511.3, NM_001407115.1); c.109A>C, p.Ile37Leu (NM_001407116.1, NM_001407117.1, NM_001407121.1); c.55A>C, p.Ile19Leu (NM_001407119.1, NM_001407120.1); c.77+4814A>C (NM_001035512.3, NM_001278172.3, NM_001407118.1); c.21-12110A>C (NM_001035513.3); short protein forms I56L, I19L, I37L.
Identifiers: ClinVar variation 534375 (VCV000534375.17), dbSNP rs1363555121, ClinGen allele CA343361311.

ClinVar aggregate classification (germline): Uncertain significance. Review status: criteria provided, multiple submitters, no conflicts (2 of 4 stars). 4 submissions from 4 submitters: Uncertain significance (4). Last evaluated 2025-05-25.

Conditions:
Hereditary cancer-predisposing syndrome. Also called: Hereditary neoplastic syndrome; Neoplastic Syndromes, Hereditary; Hereditary Cancer Syndrome; Tumor predisposition. Identifiers: Orphanet 140162, MedGen C0027672, MeSH D009386, MONDO:0015356.
Hereditary pheochromocytoma and paraganglioma. Also called: Hereditary pheochromocytoma-paraganglioma; Hereditary Paraganglioma-Pheochromocytoma Syndromes; Hereditary paragangliomas and pheochromocytomas. Identifiers: Orphanet 29072, MedGen C4274332, MONDO:0017366.
Pheochromocytoma/paraganglioma syndrome 3. Also called: GLOMUS TUMORS, FAMILIAL, 3; SDHC-Related Hereditary Paraganglioma-Pheochromocytoma Syndrome; Paragangliomas 3; SDHC-Related Hereditary Paraganglioma-Pheochromocytoma Syndrome (Paragangliomas 3). Identifiers: Orphanet 29072, MedGen C1854336, MONDO:0011544, OMIM 605373.
Gastrointestinal stromal tumor. Also called: Gastrointestinal stromal tumor, somatic; Gastrointestinal stroma tumor. Identifiers: Orphanet 44890, MedGen C0238198, MeSH D046152, MONDO:0011719, OMIM 606764, HP:0100723.

Allele frequency attached by ClinVar (database versions not stated): TOPMed below 0.00001; gnomAD 0.00003.
gnomAD v4.1: 1 of 1,604,718 alleles (0.000062%); highest among the groups gnomAD compares: Non-Finnish European, 0.000085%; no homozygotes.

Submissions (4):

Ambry Genetics
Classification: Uncertain significance for Hereditary cancer-predisposing syndrome. Last evaluated: 2025-05-25. Review status: criteria provided, single submitter. Criteria: Ambry Variant Classification Scheme 2023. Collection method: clinical testing. Allele origin: germline.
Comment: The p.I56L variant (also known as c.166A>C), located in coding exon 3 of the SDHC gene, results from an A to C substitution at nucleotide position 166. The isoleucine at codon 56 is replaced by leucine, an amino acid with highly similar properties. This amino acid position is conserved. In addition, the in silico prediction for this alteration is inconclusive. Since supporting evidence is limited at this time, the clinical significance of this alteration remains unclear.

Labcorp Genetics (formerly Invitae), Labcorp
Classification: Uncertain significance for Pheochromocytoma/paraganglioma syndrome 3; Gastrointestinal stromal tumor. Last evaluated: 2024-11-19. Review status: criteria provided, single submitter. Criteria: Invitae Variant Classification Sherloc (09022015). Collection method: clinical testing. Allele origin: germline.
Comment: This sequence change replaces isoleucine, which is neutral and non-polar, with leucine, which is neutral and non-polar, at codon 56 of the SDHC protein (p.Ile56Leu). This variant is present in population databases (no rsID available, gnomAD 0.007%). This variant has not been reported in the literature in individuals affected with SDHC-related conditions. ClinVar contains an entry for this variant (Variation ID: 534375). An algorithm developed to predict the effect of missense changes on protein structure and function outputs the following: PolyPhen-2: "Benign". The leucine amino acid residue is found in multiple mammalian species, which suggests that this missense change does not adversely affect protein function. In summary, the available evidence is currently insufficient to determine the role of this variant in disease. Therefore, it has been classified as a Variant of Uncertain Significance.

GeneDx
Classification: Uncertain significance. Last evaluated: 2024-05-14. Review status: criteria provided, single submitter. Criteria: GeneDx Variant Classification Process June 2021. Collection method: clinical testing. Allele origin: germline. Affected: yes.
Comment: Not observed at significant frequency in large population cohorts (gnomAD); In silico analysis indicates that this missense variant does not alter protein structure/function; Has not been previously published as pathogenic or benign to our knowledge

All of Us Research Program, National Institutes of Health
Classification: Uncertain significance for Hereditary pheochromocytoma and paraganglioma. Last evaluated: 2024-03-05. Review status: criteria provided, single submitter. Criteria: ACMG Guidelines, 2015. Collection method: clinical testing. Allele origin: germline. Inheritance: Autosomal dominant inheritance. Observed: 1 variant allele, 1 heterozygote.
Comment: This study involves interpretation of variants in research participants for the purpose of population health screening. Participant phenotype was not available at the time of variant classification. Additional details can be found in publication PMID: 35346344, PMCID: PMC8962531